The following is an entry in ClinVar:

NM_001972.4(ELANE):c.117C>G (p.His39Gln)

Gene: ELANE (elastase, neutrophil expressed; plus strand). Cytogenetic location: 19p13.3.
Variant type: single nucleotide variant.
Coding change: c.117C>G on transcript NM_001972.4 (MANE Select); coding-DNA position 117, C replaced by G.
Protein change: p.His39Gln; replaces histidine 39 with glutamine.
Molecular consequence: missense variant.
Genome position (GRCh38, 1-based): chr19:852,925, C>G. VCF-style: chr19-852925-C-G. GRCh37 (hg19) VCF-style: chr19-852925-C-G.
Other names: short protein forms H39Q.
Identifiers: ClinVar variation 2950121 (VCV002950121.3), dbSNP rs774270504, ClinGen allele CA402914435.

ClinVar aggregate classification (germline): Uncertain significance (1 of 4 stars; one submission).

Conditions:
Neutropenia, severe congenital, 1, autosomal dominant. Identifiers: MedGen C1859966, MONDO:0042490, OMIM 202700.
Cyclical neutropenia. Also called: Cyclic hematopoiesis; Cyclic Neutropenia. Identifiers: Orphanet 2686, MedGen C0221023, MONDO:0008090, OMIM 162800, HP:0040289. Disease mechanism: loss of function.

Submission:

Labcorp Genetics (formerly Invitae), Labcorp
Classification: Uncertain significance for Neutropenia, severe congenital, 1, autosomal dominant; Cyclical neutropenia. Last evaluated: 2023-07-19. Review status: criteria provided, single submitter. Criteria: Invitae Variant Classification Sherloc (09022015). Collection method: clinical testing. Allele origin: germline.
Comment: In summary, the available evidence is currently insufficient to determine the role of this variant in disease. Therefore, it has been classified as a Variant of Uncertain Significance. Advanced modeling of protein sequence and biophysical properties (such as structural, functional, and spatial information, amino acid conservation, physicochemical variation, residue mobility, and thermodynamic stability) has been performed at Invitae for this missense variant, however the output from this modeling did not meet the statistical confidence thresholds required to predict the impact of this variant on ELANE protein function. This variant has not been reported in the literature in individuals affected with ELANE-related conditions. This variant is not present in population databases (gnomAD no frequency). This sequence change replaces histidine, which is basic and polar, with glutamine, which is neutral and polar, at codon 39 of the ELANE protein (p.His39Gln).